The following is an entry in ClinVar:

ClinVar aggregate classification (germline): Uncertain significance (1 of 4 stars; one submission).

Conditions:
DICER1-related tumor predisposition. Also called: DICER1-related pleuropulmonary blastoma cancer predisposition syndrome; DICER1 syndrome. Identifiers: Orphanet 284343, MedGen C3839822, MONDO:0100216.

gnomAD v4.1: 5 of 1,614,004 alleles (0.00031%); no homozygotes.

Submission:

Labcorp Genetics (formerly Invitae), Labcorp
Classification: Uncertain significance for DICER1-related tumor predisposition. Last evaluated: 2023-12-27. Review status: criteria provided, single submitter. Criteria: Invitae Variant Classification Sherloc (09022015). Collection method: clinical testing. Allele origin: germline.
Comment: This sequence change replaces cysteine, which is neutral and slightly polar, with serine, which is neutral and polar, at codon 877 of the DICER1 protein (p.Cys877Ser). This variant is present in population databases (no rsID available, gnomAD 0.02%). This variant has not been reported in the literature in individuals affected with DICER1-related conditions. Advanced modeling of protein sequence and biophysical properties (such as structural, functional, and spatial information, amino acid conservation, physicochemical variation, residue mobility, and thermodynamic stability) has been performed at Invitae for this missense variant, however the output from this modeling did not meet the statistical confidence thresholds required to predict the impact of this variant on DICER1 protein function. In summary, the available evidence is currently insufficient to determine the role of this variant in disease. Therefore, it has been classified as a Variant of Uncertain Significance.

NM_177438.3(DICER1):c.2629T>A (p.Cys877Ser)

Gene: DICER1 (dicer 1, ribonuclease III; minus strand). Cytogenetic location: 14q32.13.
Variant type: single nucleotide variant.
Coding change: c.2629T>A on transcript NM_177438.3 (MANE Select); coding-DNA position 2629, T replaced by A.
Protein change: p.Cys877Ser; replaces cysteine 877 with serine.
Molecular consequence: missense variant. On other transcripts: non-coding transcript variant (6).
Genome position (GRCh38, 1-based): chr14:95,107,901, A>T on the plus strand (T>A on the coding strand, the complement: DICER1 is on the minus strand). VCF-style: chr14-95107901-A-T. GRCh37 (hg19) VCF-style: chr14-95574238-A-T.
Other names: c.2629T>A, p.Cys877Ser (NM_001395680.1, NM_001395681.1, NM_001395682.1 and 13 more transcripts); c.2347T>A, p.Cys783Ser (NM_001395686.1); c.2224T>A, p.Cys742Ser (NM_001395687.1, NM_001395688.1, NM_001395689.1 and 2 more transcripts); c.2062T>A, p.Cys688Ser (NM_001395691.1); c.946T>A, p.Cys316Ser (NM_001395697.1); short protein forms C688S, C783S, C316S, C742S, C877S.
Identifiers: ClinVar variation 2724417 (VCV002724417.2), dbSNP rs1411395826, ClinGen allele CA390881215.